The following is an entry in ClinVar:

ClinVar aggregate classification (germline): Likely benign (1 of 4 stars; one submission).

Conditions:
Lung cancer. Also called: Lung cancer, somatic; Malignant tumor of lung. Identifiers: MedGen C0242379, MONDO:0008903, OMIM 211980.

Submission:

Myriad Genetics, Inc.
Classification: Likely benign for Lung cancer. Last evaluated: 2024-10-16. Review status: criteria provided, single submitter. Criteria: Myriad Autosomal Dominant, Autosomal Recessive and X-Linked Classification Criteria (2023). Collection method: clinical testing. Allele origin: unknown.
Comment: This variant is considered likely benign. This variant is intronic and is not expected to impact mRNA splicing.

NM_005228.5(EGFR):c.2469+9G>C

Genes: EGFR-AS1 (EGFR antisense RNA 1; minus strand), EGFR (epidermal growth factor receptor; plus strand). Cytogenetic location: 7p11.2.
Variant type: single nucleotide variant.
Coding change: c.2469+9G>C on transcript NM_005228.5 (MANE Select); 9 bases into the intron after coding-DNA position 2469, G replaced by C.
Molecular consequence: intron variant. On other transcripts: non-coding transcript variant (1).
Genome position (GRCh38, 1-based): chr7:55,181,487, G>C. VCF-style: chr7-55181487-G-C. GRCh37 (hg19) VCF-style: chr7-55249180-G-C.
Other names: c.2334+9G>C (NM_001346899.2, NM_001346897.2); c.1668+9G>C (NM_001346941.2); c.2469+9G>C (NM_001346898.2); c.2310+9G>C (NM_001346900.2).
Identifiers: ClinVar variation 3773308 (VCV003773308.1).